The following is an entry in ClinVar:

NM_005090.4(JMJD7-PLA2G4B):c.2640+5G>A

Genes: JMJD7-PLA2G4B (JMJD7-PLA2G4B readthrough; plus strand), PLA2G4B (phospholipase A2 group IVB; plus strand). Cytogenetic location: 15q15.1.
Variant type: single nucleotide variant.
Coding change: c.2640+5G>A on transcript NM_005090.4; 5 bases into the intron after coding-DNA position 2640, G replaced by A.
Molecular consequence: intron variant.
Genome position (GRCh38, 1-based): chr15:41,846,840, G>A. VCF-style: chr15-41846840-G-A. GRCh37 (hg19) VCF-style: chr15-42139038-G-A.
Other names: c.2640+5G>A (NM_001198588.2); c.1947+5G>A (NM_001114633.2).
Identifiers: ClinVar variation 3059555 (VCV003059555.2), dbSNP rs890508, ClinGen allele CA7500327.

ClinVar aggregate classification (germline): Benign (0 of 4 stars; one submission).

Conditions:
JMJD7-PLA2G4B-related disorder. Also called: JMJD7-PLA2G4B-related condition.

Allele frequency attached by ClinVar (database versions not stated): ESP Exome Variant Server 0.74258; 1000 Genomes Project 30x 0.74938; TOPMed 0.74972; 1000 Genomes Project 0.75060.

Submission:

PreventionGenetics, part of Exact Sciences
Classification: Benign for JMJD7-PLA2G4B-related condition. Last evaluated: 2019-10-17. Review status: no assertion criteria provided. Collection method: clinical testing. Allele origin: germline.
Comment: This variant is classified as benign based on ACMG/AMP sequence variant interpretation guidelines (Richards et al. 2015 PMID: 25741868, with internal and published modifications).